The following is an entry in ClinVar:

NM_021102.4(SPINT2):c.421C>G (p.Pro141Ala)

Gene: SPINT2 (serine peptidase inhibitor, Kunitz type 2; plus strand). Cytogenetic location: 19q13.2.
Variant type: single nucleotide variant.
Coding change: c.421C>G on transcript NM_021102.4 (MANE Select); coding-DNA position 421, C replaced by G.
Protein change: p.Pro141Ala; replaces proline 141 with alanine.
Molecular consequence: missense variant.
Genome position (GRCh38, 1-based): chr19:38,290,148, C>G. VCF-style: chr19-38290148-C-G. GRCh37 (hg19) VCF-style: chr19-38780788-C-G.
Other names: c.250C>G, p.Pro84Ala (NM_001166103.2); short protein forms P141A, P84A.
Identifiers: ClinVar variation 2500740 (VCV002500740.2), dbSNP rs1224874674, ClinGen allele CA405633438.
Genomic context (GRCh38, chr19:38,290,148, plus strand): 5'-ATTTGTATTCCCTGGGCTGTCTTACTCCTAGAATACTGCACCGCCAACGCAGTCACTGGG[C>G]CTTGCCGTGCATCCTTCCCACGCTGGTACTTTGACGTGGAGAGGAACTCCTGCAATAACT-3'
Protein context (NP_066925.1, residues 131-151): EYCTANAVTG[Pro141Ala]CRASFPRWYF

ClinVar aggregate classification (germline): Likely pathogenic (1 of 4 stars; one submission).

Conditions:
Congenital secretory sodium diarrhea 3 (DIAR3). Also called: DIARRHEA 3, SECRETORY SODIUM, CONGENITAL, WITH OR WITHOUT OTHER CONGENITAL ANOMALIES; Diarrhea 3, secretory sodium, congenital, syndromic. Identifiers: Orphanet 103908, MedGen C5441927, MONDO:0010036, OMIM 270420.

Allele frequency attached by ClinVar (database versions not stated): gnomAD 0.00001; gnomAD exomes 0.00001.
gnomAD v4.1: 4 of 1,612,522 alleles (0.00025%); highest among the groups gnomAD compares: Non-Finnish European, 0.00034%; no homozygotes.

Submission:

Victorian Clinical Genetics Services, Murdoch Childrens Research Institute
Classification: Likely pathogenic for Congenital secretory sodium diarrhea 3. Last evaluated: 2022-02-02. Review status: criteria provided, single submitter. Criteria: ACMG Guidelines, 2015. Collection method: clinical testing. Allele origin: germline. Inheritance: Autosomal recessive inheritance. Affected: yes.
Comment: Based on the classification scheme VCGS_Germline_v1.3.4, this variant is classified as likely pathogenic. Following criteria are met: 0102 - Loss of function is a known mechanism of disease in this gene and is associated with diarrhoea 3, secretory sodium, congenital, syndromic (MIM#270420). (I) 0106 - This gene is associated with autosomal recessive disease. (I) 0200 - Variant is predicted to result in a missense amino acid change from proline to alanine. (I) 0252 - This variant is homozygous. (I) 0304 - Variant is present in gnomAD v2 <0.01 for a recessive condition (2 heterozygotes, 0 homozygotes). (SP) 0502 - Missense variant with conflicting in silico predictions and uninformative conservation. (I) 0601 - Variant is located in the well-established functional Kunitz domain 2 (PMID: 25301953). (SP) 0705 - No comparable missense variants have previous evidence for pathogenicity. (I) 0807 - This variant has no previous evidence of pathogenicity. (I) 0905 - No published segregation evidence has been identified for this variant. (I) 1007 - No published functional evidence has been identified for this variant. (I) 1101 - Very strong and specific phenotype match for this individual. (I) Legend: (SP) - Supporting pathogenic, (I) - Information, (SB) - Supporting benign

Literature cited by the submitters: PubMed 25301953.